The following is an entry in ClinVar:

ClinVar aggregate classification (germline): Likely benign (1 of 4 stars; one submission).

Conditions:
NRXN1-related disorder.

gnomAD v4.1: 1 of 1,612,904 alleles (0.000062%); highest among the groups gnomAD compares: Non-Finnish European, 0.000085%; no homozygotes.

Submission:

PreventionGenetics, part of Exact Sciences
Classification: Likely benign for NRXN1-related condition. Last evaluated: 2026-02-03. Review status: criteria provided, single submitter. Criteria: ACMG Guidelines, 2015. Collection method: clinical testing. Allele origin: germline.
Comment: This variant is classified as likely benign based on ACMG/AMP sequence variant interpretation guidelines (Richards et al. 2015 PMID: 25741868, with internal and published modifications).

NM_001330078.2(NRXN1):c.471G>C (p.Gly157=)

Gene: NRXN1 (neurexin 1; minus strand). Cytogenetic location: 2p16.3.
Variant type: single nucleotide variant.
Coding change: c.471G>C on transcript NM_001330078.2 (MANE Select); coding-DNA position 471, G replaced by C.
Protein change: p.Gly157=; no amino-acid change (glycine 157 retained).
Molecular consequence: synonymous variant.
Genome position (GRCh38, 1-based): chr2:51,027,803, C>G on the plus strand (G>C on the coding strand, the complement: NRXN1 is on the minus strand). VCF-style: chr2-51027803-C-G. GRCh37 (hg19) VCF-style: chr2-51254941-C-G.
Other names: c.471G>C, p.Gly157= (NM_001135659.3, NM_001330077.2, NM_001330079.2 and 15 more transcripts).
Identifiers: ClinVar variation 4993703 (VCV004993703.1).